The following is an entry in ClinVar:

NM_017934.7(PHIP):c.4687C>T (p.Gln1563Ter)

Genes: IRAK1BP1 (interleukin 1 receptor associated kinase 1 binding protein 1; plus strand), PHIP (PHIP subunit of CUL4-Ring ligase complex; minus strand). Cytogenetic location: 6q14.1.
Variant type: single nucleotide variant.
Coding change: c.4687C>T on transcript NM_017934.7 (MANE Select); coding-DNA position 4687, C replaced by T.
Protein change: p.Gln1563Ter; replaces glutamine 1563 with a stop codon.
Molecular consequence: nonsense.
Genome position (GRCh38, 1-based): chr6:78,945,441, G>A on the plus strand (C>T on the coding strand, the complement: PHIP is on the minus strand). VCF-style: chr6-78945441-G-A. GRCh37 (hg19) VCF-style: chr6-79655158-G-A.
Other names: short protein forms Q1563*.
Identifiers: ClinVar variation 3691723 (VCV003691723.2).

ClinVar aggregate classification (germline): Pathogenic (1 of 4 stars; one submission).

Submission:

Labcorp Genetics (formerly Invitae), Labcorp
Classification: Pathogenic. Last evaluated: 2024-05-13. Review status: criteria provided, single submitter. Criteria: Invitae Variant Classification Sherloc (09022015). Collection method: clinical testing. Allele origin: germline.
Comment: This sequence change creates a premature translational stop signal (p.Gln1563*) in the PHIP gene. It is expected to result in an absent or disrupted protein product. Loss-of-function variants in PHIP are known to be pathogenic (PMID: 27900362). This variant is not present in population databases (gnomAD no frequency). This variant has not been reported in the literature in individuals affected with PHIP-related conditions. For these reasons, this variant has been classified as Pathogenic.

Literature cited by the submitters: PubMed 27900362.